The following is an entry in ClinVar:

ClinVar aggregate classification (germline): Conflicting classifications of pathogenicity. Review status: criteria provided, conflicting classifications (1 of 4 stars). 2 submissions from 2 submitters: Uncertain significance (1); Likely benign (1). Last evaluated 2025-09-07.

Conditions:
Nephrotic syndrome, type 8 (NPHS8). Identifiers: Orphanet 656, MedGen C3808953, MONDO:0014099, OMIM 615244.

Allele frequency attached by ClinVar (database versions not stated): ESP Exome Variant Server 0.00031; TOPMed 0.00037.
gnomAD v4.1: 77 of 1,612,962 alleles (0.0048%); highest among the groups gnomAD compares: African/African-American, 0.088%; no homozygotes.

Submissions (2):

Labcorp Genetics (formerly Invitae), Labcorp
Classification: Likely benign. Last evaluated: 2025-09-07. Review status: criteria provided, single submitter. Criteria: Invitae Variant Classification Sherloc (09022015). Collection method: clinical testing. Allele origin: germline.

Baylor Genetics
Classification: Uncertain significance for Nephrotic syndrome, type 8. Last evaluated: 2019-07-15. Review status: criteria provided, single submitter. Criteria: ACMG Guidelines, 2015. Collection method: clinical testing. Allele origin: unknown. Affected: yes.
Comment: This variant was determined to be of uncertain significance according to ACMG Guidelines, 2015 [PMID:25741868].

NM_004309.6(ARHGDIA):c.275-20G>T

Genes: ARHGDIA (Rho GDP dissociation inhibitor alpha; minus strand), LOC130061973 (ATAC-STARR-seq lymphoblastoid silent region 9158; plus strand). Cytogenetic location: 17q25.3.
Variant type: single nucleotide variant.
Coding change: c.275-20G>T on transcript NM_004309.6 (MANE Select); 20 bases into the intron before coding-DNA position 275, G replaced by T.
Molecular consequence: intron variant. On other transcripts: missense variant (1).
Genome position (GRCh38, 1-based): chr17:81,869,426, C>A on the plus strand (G>T on the coding strand, the complement: ARHGDIA is on the minus strand). VCF-style: chr17-81869426-C-A. GRCh37 (hg19) VCF-style: chr17-79827302-C-A.
Other names: c.390G>T, p.Glu130Asp (NM_001301243.2); c.275-20G>T (NM_001185078.3, NM_001301242.2, NM_001301240.2 and 2 more transcripts); short protein forms E130D.
Identifiers: ClinVar variation 1030365 (VCV001030365.6), dbSNP rs372602369, ClinGen allele CA8843320.